The following is an entry in ClinVar:

NM_000384.3(APOB):c.8246C>T (p.Thr2749Ile)

Gene: APOB (apolipoprotein B; minus strand). Cytogenetic location: 2p24.1.
Variant type: single nucleotide variant.
Coding change: c.8246C>T on transcript NM_000384.3 (MANE Select); coding-DNA position 8246, C replaced by T.
Protein change: p.Thr2749Ile; replaces threonine 2749 with isoleucine.
Molecular consequence: missense variant.
Genome position (GRCh38, 1-based): chr2:21,008,622, G>A on the plus strand (C>T on the coding strand, the complement: APOB is on the minus strand). VCF-style: chr2-21008622-G-A. GRCh37 (hg19) VCF-style: chr2-21231494-G-A.
Other names: c.8246C>T (NM_000384.2); short protein forms T2749I.
Identifiers: ClinVar variation 1041859 (VCV001041859.12), dbSNP rs755390578, ClinGen allele CA065457.

ClinVar aggregate classification (germline): Conflicting classifications of pathogenicity. Review status: criteria provided, conflicting classifications (1 of 4 stars). 2 submissions from 2 submitters: Uncertain significance (1); Likely benign (1). Last evaluated 2026-04-04.

Conditions:
Cardiovascular phenotype. Identifiers: MedGen CN230736.
Hypercholesterolemia, autosomal dominant, type B (FHCL2). Also called: Familial Hypercholesterolemia Type B; APOLIPOPROTEIN B-100, FAMILIAL DEFECTIVE; APOLIPOPROTEIN B-100, FAMILIAL LIGAND-DEFECTIVE; HYPERCHOLESTEROLEMIA, FAMILIAL, DUE TO LIGAND-DEFECTIVE APOLIPOPROTEIN B; Familial hypercholesterolemia 2; Hyperlipoproteinemia Type IIb. Identifiers: MedGen C1704417, MONDO:0007751, OMIM 144010.
Familial hypobetalipoproteinemia 1. Also called: APOB-Related Familial Hypobetalipoproteinemia; Hypobetalipoproteinemia, normotriglyceridemic; Acanthocytosis with hypobetalipoproteinemia. Identifiers: MedGen C4551990, MONDO:0014252, OMIM 615558.

Allele frequency attached by ClinVar (database versions not stated): ExAC 0.00002; TOPMed 0.00001; gnomAD exomes 0.00002.
gnomAD v4.1: 6 of 1,614,066 alleles (0.00037%); highest among the groups gnomAD compares: Admixed American, 0.01%; no homozygotes.

Submissions (2):

Ambry Genetics
Classification: Uncertain significance for Cardiovascular phenotype. Last evaluated: 2026-04-04. Review status: criteria provided, single submitter. Criteria: Ambry Variant Classification Scheme 2023. Collection method: clinical testing. Allele origin: germline.
Comment: The p.T2749I variant (also known as c.8246C>T), located in coding exon 26 of the APOB gene, results from a C to T substitution at nucleotide position 8246. The threonine at codon 2749 is replaced by isoleucine, an amino acid with similar properties. This amino acid position is conserved. In addition, this alteration is predicted to be tolerated by in silico analysis. Based on the available evidence, the clinical significance of this variant remains unclear.

Labcorp Genetics (formerly Invitae), Labcorp
Classification: Likely benign for Familial hypobetalipoproteinemia 1; Hypercholesterolemia, autosomal dominant, type B. Last evaluated: 2024-10-21. Review status: criteria provided, single submitter. Criteria: Invitae Variant Classification Sherloc (09022015). Collection method: clinical testing. Allele origin: germline.